The following is an entry in ClinVar:

ClinVar aggregate classification (germline): Uncertain significance (1 of 4 stars; one submission).

Conditions:
Vacuolar Neuromyopathy (MRUPAV). Also called: MYOPATHY WITH RIMMED UBIQUITIN-POSITIVE AUTOPHAGIC VACUOLATION, AUTOSOMAL DOMINANT; PLIN4-related distal myopathy. Identifiers: Orphanet 696063, MedGen C1866139, MONDO:0011155, OMIM 601846.

Submission:

Kariminejad - Najmabadi Pathology & Genetics Center
Classification: Uncertain significance for Vacuolar Neuromyopathy. Last evaluated: 2024-06-05. Review status: criteria provided, single submitter. Criteria: ACMG Guidelines, 2015. Collection method: clinical testing. Allele origin: germline. Inheritance: Autosomal dominant inheritance. Affected: yes.
Comment: PM2

NM_001367868.2(PLIN4):c.1338_1339del (p.Leu446fs)

Gene: PLIN4 (perilipin 4; minus strand). Cytogenetic location: 19p13.3.
Variant type: Deletion.
Coding change: c.1338_1339del on transcript NM_001367868.2 (MANE Select); coding-DNA positions 1338 to 1339, 2 bases deleted (GG; older notation c.1338_1339delGG).
Protein change: p.Leu446fs; shifts the reading frame from leucine 446.
Molecular consequence: frameshift variant.
Genome position (GRCh38, 1-based): chr19:4,512,621-4,512,622, CC deleted on the plus strand (GG on the coding strand, the reverse complement: PLIN4 is on the minus strand). VCF-style (leftmost placement, unchanged base first): chr19-4512620-GCC-G. GRCh37 (hg19) VCF-style: chr19-4512632-GCC-G.
Other names: c.1338_1339delGG (NM_001367868.2); c.1341_1342del, p.Leu447fs (NM_001393888.1, NM_001393889.1); c.1338_1339del, p.Leu446fs (NM_001393890.1, NM_001393891.1); short protein forms L446fs, L447fs.
Identifiers: ClinVar variation 3896950 (VCV003896950.1).